The following is an entry in ClinVar:

NM_001134232.2(TMEM106B):c.553_554delinsGG (p.Thr185Gly)

Gene: TMEM106B (transmembrane protein 106B; plus strand). Cytogenetic location: 7p21.3.
Variant type: Indel.
Coding change: c.553_554delinsGG on transcript NM_001134232.2 (MANE Select); coding-DNA positions 553 to 554, AC replaced by GG.
Protein change: p.Thr185Gly; replaces threonine 185 with glycine.
Molecular consequence: missense variant.
Genome position (GRCh38, 1-based): chr7:12,229,790-12,229,791, AC replaced by GG. VCF-style: chr7-12229790-AC-GG. GRCh37 (hg19) VCF-style: chr7-12269416-AC-GG.
Other names: c.553_554delinsGG, p.Thr185Gly (NM_018374.4); short protein forms T185G.
Identifiers: ClinVar variation 2846423 (VCV002846423.3), dbSNP rs2534923593, ClinGen allele CA2739266260.

ClinVar aggregate classification (germline): Uncertain significance (1 of 4 stars; one submission).

Submission:

Labcorp Genetics (formerly Invitae), Labcorp
Classification: Uncertain significance. Last evaluated: 2023-06-12. Review status: criteria provided, single submitter. Criteria: Invitae Variant Classification Sherloc (09022015). Collection method: clinical testing. Allele origin: germline.
Comment: This variant has not been reported in the literature in individuals affected with TMEM106B-related conditions. In summary, the available evidence is currently insufficient to determine the role of this variant in disease. Therefore, it has been classified as a Variant of Uncertain Significance. An algorithm developed to predict the effect of missense changes on protein structure and function (PolyPhen-2) suggests that this variant is likely to be disruptive. Information on the frequency of this variant in the gnomAD database is not available, as this variant may be reported differently in the database. This sequence change replaces threonine, which is neutral and polar, with glycine, which is neutral and non-polar, at codon 185 of the TMEM106B protein (p.Thr185Gly).